The following is an entry in ClinVar:

NM_004329.3(BMPR1A):c.657del (p.Ser220fs)

Gene: BMPR1A (bone morphogenetic protein receptor type 1A; plus strand). Cytogenetic location: 10q23.2.
Variant type: Deletion.
Coding change: c.657del on transcript NM_004329.3 (MANE Select); coding-DNA position 657, one base deleted (G; older notation c.657delG).
Protein change: p.Ser220fs; shifts the reading frame from serine 220.
Molecular consequence: frameshift variant. On other transcripts: intron variant (1), non-coding transcript variant (3).
Genome position (GRCh38, 1-based): chr10:86,912,366, G deleted; the last of 3 consecutive G bases (chr10:86,912,364-86,912,366); deleting any one gives the same sequence. VCF-style (leftmost placement, unchanged base first): chr10-86912363-TG-T. GRCh37 (hg19) VCF-style: chr10-88672120-TG-T.
Other names: c.334-4768del (NM_001406589.1); c.732del, p.Ser245fs (NM_001406559.1); c.705del, p.Ser236fs (NM_001406560.1); c.657del, p.Ser220fs (NM_001406561.1, NM_001406562.1, NM_001406563.1 and 20 more transcripts); c.573del, p.Ser192fs (NM_001406584.1, NM_001406585.1, NM_001406586.1 and 2 more transcripts); short protein forms S192fs, S220fs, S236fs, S245fs.
Identifiers: ClinVar variation 4214380 (VCV004214380.1).

ClinVar aggregate classification (germline): Pathogenic (1 of 4 stars; one submission).

Conditions:
Hereditary cancer-predisposing syndrome. Also called: Neoplastic Syndromes, Hereditary; Tumor predisposition; Hereditary Cancer Syndrome; Hereditary neoplastic syndrome. Identifiers: Orphanet 140162, MedGen C0027672, MeSH D009386, MONDO:0015356.

Submission:

Ambry Genetics
Classification: Pathogenic for Hereditary cancer-predisposing syndrome. Last evaluated: 2025-09-02. Review status: criteria provided, single submitter. Criteria: Ambry Variant Classification Scheme 2023. Collection method: clinical testing. Allele origin: germline.
Comment: The c.657delG pathogenic mutation, located in coding exon 6 of the BMPR1A gene, results from a deletion of one nucleotide at nucleotide position 657, causing a translational frameshift with a predicted alternate stop codon (p.S220Lfs*41). This variant is considered to be rare based on population cohorts in the Genome Aggregation Database (gnomAD). This alteration is expected to result in loss of function by premature protein truncation or nonsense-mediated mRNA decay. As such, this alteration is interpreted as a disease-causing mutation.